The following is an entry in ClinVar:

NM_005343.4(HRAS):c.560T>C (p.Val187Ala)

Genes: HRAS (HRas proto-oncogene, GTPase; minus strand), LRRC56 (leucine rich repeat containing 56; plus strand). Cytogenetic location: 11p15.5.
Variant type: single nucleotide variant.
Coding change: c.560T>C on transcript NM_005343.4 (MANE Select); coding-DNA position 560, T replaced by C.
Protein change: p.Val187Ala; replaces valine 187 with alanine.
Molecular consequence: missense variant. On other transcripts: 3 prime UTR variant (1).
Genome position (GRCh38, 1-based): chr11:532,646, A>G on the plus strand (T>C on the coding strand, the complement: HRAS is on the minus strand). VCF-style: chr11-532646-A-G. GRCh37 (hg19) VCF-style: chr11-532646-A-G.
Other names: c.560T>C, p.Val187Ala (NM_001130442.3); c.323T>C, p.Val108Ala (NM_001318054.2); c.*129T>C (NM_176795.5); short protein forms V108A, V187A.
Identifiers: ClinVar variation 1011612 (VCV001011612.9), dbSNP rs1851173673, ClinGen allele CA378920872.

ClinVar aggregate classification (germline): Uncertain significance (1 of 4 stars; one submission).

Conditions:
Costello syndrome (CSTLO). Also called: FACIOCUTANEOSKELETAL SYNDROME; HRAS-Related Costello Syndrome; FCS SYNDROME. Identifiers: Orphanet 3071, MedGen C0587248, MONDO:0009026, OMIM 218040.

Allele frequency attached by ClinVar (database versions not stated): gnomAD exomes below 0.00001.
gnomAD v4.1: 1 of 1,612,092 alleles (0.000062%); highest among the groups gnomAD compares: Non-Finnish European, 0.000085%; no homozygotes.

Submission:

Labcorp Genetics (formerly Invitae), Labcorp
Classification: Uncertain significance for Costello syndrome. Last evaluated: 2020-07-21. Review status: criteria provided, single submitter. Criteria: Invitae Variant Classification Sherloc (09022015). Collection method: clinical testing. Allele origin: germline.
Comment: In summary, the available evidence is currently insufficient to determine the role of this variant in disease. Therefore, it has been classified as a Variant of Uncertain Significance. Advanced modeling of protein sequence and biophysical properties (such as structural, functional, and spatial information, amino acid conservation, physicochemical variation, residue mobility, and thermodynamic stability) performed at Invitae indicates that this missense variant is not expected to disrupt HRAS protein function. This variant has not been reported in the literature in individuals with HRAS-related conditions. This variant is not present in population databases (ExAC no frequency). This sequence change replaces valine with alanine at codon 187 of the HRAS protein (p.Val187Ala). The valine residue is highly conserved and there is a small physicochemical difference between valine and alanine.